The following is an entry in ClinVar:

ClinVar aggregate classification (germline): Likely benign (1 of 4 stars; one submission).

gnomAD v4.1: 550 of 1,614,008 alleles (0.034%); highest among the groups gnomAD compares: South Asian, 0.46%; 3 homozygotes.

Submissions (2):

CeGaT Center for Human Genetics Tuebingen
Classification: Likely benign. Last evaluated: 2026-07-01. Review status: criteria provided, single submitter. Criteria: CeGaT Center For Human Genetics Tuebingen Variant Classification Criteria Version 2. Collection method: clinical testing. Allele origin: germline. Affected: yes. Observed: 1 variant allele.
Comment: UFSP2: BP4

Dr. Peter K. Rogan Lab, Western University
No classification provided (evidence only). Condition: Nonpapillary renal cell carcinoma. Review status: no classification provided. Collection method: in vitro. Allele origin: not applicable. Functional consequence: retained intron. Not counted in ClinVar's aggregate classification.

NM_018359.5(UFSP2):c.1122-8C>A

Gene: UFSP2 (UFM1 specific peptidase 2; minus strand). Cytogenetic location: 4q35.1.
Variant type: single nucleotide variant.
Coding change: c.1122-8C>A on transcript NM_018359.5 (MANE Select); 8 bases into the intron before coding-DNA position 1122, C replaced by A.
Molecular consequence: intron variant. On other transcripts: non-coding transcript variant (1).
Genome position (GRCh38, 1-based): chr4:185,405,864, G>T on the plus strand (C>A on the coding strand, the complement: UFSP2 is on the minus strand). VCF-style: chr4-185405864-G-T. GRCh37 (hg19) VCF-style: chr4-186327018-G-T.
Other names: NC_000004.11:g.186327018G>T.
Identifiers: ClinVar variation 4304430 (VCV004304430.2).